The following is an entry in ClinVar:

NM_004991.4(MECOM):c.3653A>G (p.Asn1218Ser)

Gene: MECOM (MDS1 and EVI1 complex locus; minus strand). Cytogenetic location: 3q26.2.
Variant type: single nucleotide variant.
Coding change: c.3653A>G on transcript NM_004991.4 (MANE Select); coding-DNA position 3653, A replaced by G.
Protein change: p.Asn1218Ser; replaces asparagine 1218 with serine.
Molecular consequence: missense variant.
Genome position (GRCh38, 1-based): chr3:169,084,976, T>C on the plus strand (A>G on the coding strand, the complement: MECOM is on the minus strand). VCF-style: chr3-169084976-T-C. GRCh37 (hg19) VCF-style: chr3-168802764-T-C.
Other names: c.3653A>G (NM_004991.3); c.3284A>G, p.Asn1095Ser (NM_001105077.4); c.3089A>G, p.Asn1030Ser (NM_001105078.4, NM_001205194.2, NM_001366469.2 and 1 more transcripts); c.3065A>G, p.Asn1022Ser (NM_001163999.2, NM_001366470.2); c.3062A>G, p.Asn1021Ser (NM_001164000.2, NM_001366471.2, NM_001366472.2); c.3626A>G, p.Asn1209Ser (NM_001366466.2); c.3092A>G, p.Asn1031Ser (NM_001366467.2, NM_001366468.2); c.2654A>G, p.Asn885Ser (NM_001366473.2); and 1 more; short protein forms N1030S, N1218S, N697S, N885S, N1031S, N1021S, N1022S, N1095S.
Identifiers: ClinVar variation 2867499 (VCV002867499.4), dbSNP rs1438581901, ClinGen allele CA355064178.

ClinVar aggregate classification (germline): Uncertain significance. Review status: criteria provided, multiple submitters, no conflicts (2 of 4 stars). 2 submissions from 2 submitters: Uncertain significance (2). Last evaluated 2025-08-14.

Conditions:
Inborn genetic diseases. Identifiers: MedGen C0950123, MeSH D030342.

Allele frequency attached by ClinVar (database versions not stated): gnomAD 0.00001.
gnomAD v4.1: 1 of 1,613,930 alleles (0.000062%); highest among the groups gnomAD compares: Admixed American, 0.0017%; no homozygotes.

Submissions (2):

Ambry Genetics
Classification: Uncertain significance for Inborn genetic diseases. Last evaluated: 2025-08-14. Review status: criteria provided, single submitter. Criteria: Ambry Variant Classification Scheme 2023. Collection method: clinical testing. Allele origin: germline.
Comment: The p.N1218S variant (also known as c.3653A>G), located in coding exon 17 of the MECOM gene, results from an A to G substitution at nucleotide position 3653. The asparagine at codon 1218 is replaced by serine, an amino acid with highly similar properties. This amino acid position is conserved. In addition, this alteration is predicted to be tolerated by in silico analysis. Based on the available evidence, the clinical significance of this variant remains unclear.

Labcorp Genetics (formerly Invitae), Labcorp
Classification: Uncertain significance. Last evaluated: 2022-12-15. Review status: criteria provided, single submitter. Criteria: Invitae Variant Classification Sherloc (09022015). Collection method: clinical testing. Allele origin: germline.
Comment: This sequence change replaces asparagine, which is neutral and polar, with serine, which is neutral and polar, at codon 1030 of the MECOM protein (p.Asn1030Ser). This variant is not present in population databases (gnomAD no frequency). This variant has not been reported in the literature in individuals affected with MECOM-related conditions. Algorithms developed to predict the effect of missense changes on protein structure and function are either unavailable or do not agree on the potential impact of this missense change (SIFT: "Tolerated"; PolyPhen-2: "Not Available"; Align-GVGD: "Class C0"). In summary, the available evidence is currently insufficient to determine the role of this variant in disease. Therefore, it has been classified as a Variant of Uncertain Significance.